The following is an entry in ClinVar:

ClinVar aggregate classification (germline): Uncertain significance (1 of 4 stars; one submission).

Submission:

Greenwood Genetic Center Diagnostic Laboratories, Greenwood Genetic Center
Classification: Uncertain significance. Last evaluated: 2025-06-03. Review status: criteria provided, single submitter. Criteria: ACMG Guidelines, 2015. Collection method: clinical testing. Allele origin: germline. Affected: yes.
Comment: PM2

NM_003611.3(OFD1):c.1197T>C (p.Ser399=)

Gene: OFD1 (OFD1 centriole and centriolar satellite protein; plus strand). Cytogenetic location: Xp22.2.
Variant type: single nucleotide variant.
Coding change: c.1197T>C on transcript NM_003611.3 (MANE Select); coding-DNA position 1197, T replaced by C.
Protein change: p.Ser399=; no amino-acid change (serine 399 retained).
Molecular consequence: synonymous variant.
Genome position (GRCh38, 1-based): chrX:13,755,218, T>C. VCF-style: chrX-13755218-T-C. GRCh37 (hg19) VCF-style: chrX-13773337-T-C.
Other names: c.1077T>C, p.Ser359= (NM_001330209.2, NM_001440948.1); c.777T>C, p.Ser259= (NM_001330210.2); c.1197T>C, p.Ser399= (NM_001440947.1).
Identifiers: ClinVar variation 4538284 (VCV004538284.1).